The following is an entry in ClinVar:

ClinVar aggregate classification (germline): Pathogenic. Review status: criteria provided, multiple submitters, no conflicts (2 of 4 stars). 9 submissions from 9 submitters: Pathogenic (8). 1 of the submissions does not count toward it. Last evaluated 2026-05-11.

Conditions:
Cystic fibrosis (CF). Also called: MUCOVISCIDOSIS. Identifiers: Orphanet 586, MedGen C0010674, MONDO:0009061, OMIM 219700. Disease mechanism: loss of function.
Hereditary pancreatitis (PCTT). Also called: PRSS1-Related Hereditary Pancreatitis; Hereditary chronic pancreatitis. Identifiers: Orphanet 676, MedGen C0238339, MONDO:0008185, OMIM 167800.
Congenital bilateral aplasia of vas deferens from CFTR mutation (CBAVD). Identifiers: Orphanet 48, MedGen C0403814, MONDO:0010178, OMIM 277180. Disease mechanism: loss of function.
Bronchiectasis with or without elevated sweat chloride 1 (BESC1). Also called: Cystic Fibrosis-Like Syndrome. Identifiers: Orphanet 60033, MedGen C2749757, MONDO:0008887, OMIM 211400.
CFTR-related disorder (CFTR-RD). Also called: CFTR-related condition; CFTR-related disorders. Identifiers: MedGen C5924204, MONDO:7770004.

Submissions (9):

Institute of Human Genetics, University of Leipzig Medical Center
Classification: Pathogenic for Cystic fibrosis. Last evaluated: 2026-05-11. Review status: criteria provided, single submitter. Criteria: ACMG Guidelines, 2015. Collection method: clinical testing. Allele origin: unknown. Inheritance: Autosomal recessive inheritance. Affected: yes.

GeneDx
Classification: Pathogenic. Last evaluated: 2026-03-30. Review status: criteria provided, single submitter. Criteria: GeneDx Variant Classification Process June 2021. Collection method: clinical testing. Allele origin: germline.
Comment: Observed with a second pathogenic variant, phase not specified, in a patient with features of cystic fibrosis (PMID: 37576787); Reported in an individual with cystic fibrosis with an additional CFTR variant on the same allele (in cis), and a pathogenic CFTR variant that is likely present on the opposite allele (in trans) based on familial testing (PMID: 9383031); Reported in heterozygous state in an individual with cystic fibrosis who was also identified to be homozygous for a pathogenic CF-causing variant (PMID: 41399729); Frameshift variant predicted to result in protein truncation or nonsense mediated decay in a gene for which loss of function is a known mechanism of disease; Not observed at significant frequency in large population cohorts (gnomAD); Also known as 1874insT and c.1739_1740insT; This variant is associated with the following publications: (PMID: 7691345, 20059485, 9725922, 1695717, 9383031, 37576787, 16784904, 41399729)

Natera, Inc.
Classification: Pathogenic for CFTR-related disorders. Last evaluated: 2025-08-27. Review status: criteria provided, single submitter. Criteria: Natera Variant Classification Schema (03/2026). Collection method: clinical testing. Allele origin: germline.
Comment: The c.1742dupT variant in CFTR is a frameshift variant predicted to shift the reading frame beginning at codon 581 and leads to a stop codon 8 codons downstream. This variant is expected to result in nonsense mediated decay, truncation, or a dysfunctional protein product. This variant is rare in the general population with a frequency below the threshold expected for the associated phenotype(s). This variant has been observed in one or more individuals affected with the associated recessive disease, as either homozygous or compound heterozygous with a second variant (PMID: 33577586). Given the available evidence, this variant is classified as Pathogenic.

Labcorp Genetics (formerly Invitae), Labcorp
Classification: Pathogenic for Cystic fibrosis. Last evaluated: 2024-12-15. Review status: criteria provided, single submitter. Criteria: Invitae Variant Classification Sherloc (09022015). Collection method: clinical testing. Allele origin: germline.
Comment: This sequence change creates a premature translational stop signal (p.Leu581Phefs*8) in the CFTR gene. It is expected to result in an absent or disrupted protein product. Loss-of-function variants in CFTR are known to be pathogenic (PMID: 1695717, 7691345, 9725922). This variant is not present in population databases (gnomAD no frequency). This premature translational stop signal has been observed in individual(s) with cystic fibrosis (PMID: 9383031, 16784904, 20059485). This variant is also known as c.1874insT. ClinVar contains an entry for this variant (Variation ID: 53367). Algorithms developed to predict the effect of sequence changes on RNA splicing suggest that this variant may disrupt the consensus splice site. For these reasons, this variant has been classified as Pathogenic.

Ambry Genetics
Classification: Pathogenic for Cystic fibrosis. Last evaluated: 2024-09-13. Review status: criteria provided, single submitter. Criteria: Ambry Variant Classification Scheme 2023. Collection method: clinical testing. Allele origin: germline.
Comment: The c.1742dupT pathogenic mutation, located in coding exon 13 of the CFTR gene, results from a duplication of T at nucleotide position 1742, causing a translational frameshift with a predicted alternate stop codon (p.L581Ffs*8). This mutation was reported in an individual with cystic fibrosis and was determined to be in cis with another CFTR variant, both of which were in trans (on different chromosomes) with p.F508del (Stuhrmann M et al. Clin. Genet., 1997 Oct;52:240-6). In addition to the clinical data presented in the literature, this alteration is expected to result in loss of function by premature protein truncation or nonsense-mediated mRNA decay. As such, this alteration is interpreted as a disease-causing mutation.

Mayo Clinic Laboratories, Mayo Clinic
Classification: Pathogenic. Last evaluated: 2023-11-28. Review status: criteria provided, single submitter. Criteria: ACMG Guidelines, 2015. Collection method: clinical testing. Allele origin: germline. Observed: 1 variant allele.
Comment: PM2_moderate, PVS1

Fulgent Genetics
Classification: Pathogenic for Hereditary pancreatitis; Bronchiectasis with or without elevated sweat chloride 1; Cystic fibrosis; Congenital bilateral aplasia of vas deferens from CFTR mutation. Last evaluated: 2021-10-23. Review status: criteria provided, single submitter. Criteria: ACMG Guidelines, 2015. Collection method: clinical testing. Allele origin: unknown.

Johns Hopkins Genomics, Johns Hopkins University
Classification: Pathogenic for Cystic fibrosis. Last evaluated: 2020-05-22. Review status: criteria provided, single submitter. Criteria: ACMG Guidelines, 2015. Collection method: clinical testing. Allele origin: germline.
Comment: CFTR c.1742dupT has been previously identified in patients with features of cystic fibrosis. It is absent from a large population dataset, but has an entry in ClinVar. This frameshift variant leads to a premature stop codon in exon 13 (legacy exon 12) likely leading to nonsense mediated decay and lack of protein production. We consider c.1742dupT to be pathogenic.

ClinVar Staff, National Center for Biotechnology Information (NCBI)
No classification provided. Condition: CFTR-related disorders. Review status: no classification provided. Collection method: literature only. Allele origin: germline. Affected: yes. Not counted in ClinVar's aggregate classification.

Literature cited by the submitters: PubMed 33577586 (cited by Natera, Inc.); PubMed 1695717 (cited by Labcorp Genetics (formerly Invitae), Labcorp); PubMed 7691345 (cited by Labcorp Genetics (formerly Invitae), Labcorp); PubMed 9725922 (cited by Labcorp Genetics (formerly Invitae), Labcorp); PubMed 9383031 (cited by 4 submitters); PubMed 16784904 (cited by Labcorp Genetics (formerly Invitae), Labcorp and Johns Hopkins Genomics, Johns Hopkins University); PubMed 20059485 (cited by Labcorp Genetics (formerly Invitae), Labcorp and ClinVar Staff, National Center for Biotechnology Information (NCBI)).

NM_000492.4(CFTR):c.1742dup (p.Leu581fs)

Gene: CFTR (CF transmembrane conductance regulator; plus strand). Cytogenetic location: 7q31.2.
Variant type: Duplication.
Coding change: c.1742dup on transcript NM_000492.4 (MANE Select); coding-DNA position 1742, one base duplicated (T; older notation c.1742dupT).
Protein change: p.Leu581fs; shifts the reading frame from leucine 581.
Molecular consequence: frameshift variant.
Genome position (GRCh38, 1-based): chr7:117,590,415, T duplicated; the last of 4 consecutive T bases (chr7:117,590,412-117,590,415); duplicating any one gives the same sequence. VCF-style (leftmost placement, unchanged base first): chr7-117590411-G-GT. GRCh37 (hg19) VCF-style: chr7-117230465-G-GT.
Other names: 1874insT; p.Leu581Phefs*8; c.1739_1740insT (NM_000492.3); c.1742dup (NM_000492.3); short protein forms L581fs.
Identifiers: ClinVar variation 53367 (VCV000053367.20), dbSNP rs397508290, ClinGen allele CA326646.